The following is an entry in ClinVar:

ClinVar aggregate classification (germline): Likely pathogenic (1 of 4 stars; one submission).

Conditions:
Bloom syndrome (BLM). Also called: Bloom-Torre-Machacek syndrome. Identifiers: Orphanet 125, MedGen C0005859, MONDO:0008876, OMIM 210900.

Submission:

Labcorp Genetics (formerly Invitae), Labcorp
Classification: Likely pathogenic for Bloom syndrome. Last evaluated: 2021-10-16. Review status: criteria provided, single submitter. Criteria: Invitae Variant Classification Sherloc (09022015). Collection method: clinical testing. Allele origin: germline.
Comment: This variant is a gross deletion of the genomic region encompassing exon(s) 13-22 of the BLM gene, which includes the termination codon. This deletion extends beyond the assayed region for this gene and therefore may encompass additional genes. While this deletion is not anticipated to lead to nonsense mediated decay, it is expected to alter mRNA translation or result in a truncated protein product. In summary, the currently available evidence indicates that the variant is pathogenic, but additional data are needed to prove that conclusively. Therefore, this variant has been classified as Likely Pathogenic. This variant disrupts the nuclear localization signal (NLS) and the topoisomerase I (TOP1) domain of BLM protein, which are critical for BLM localization to the nucleus and TOP1-mediated RNA:DNA unwinding (PMID: 27657136, 9388480, 10569803, 27657136). While functional studies have not been performed to directly test the effect of this variant on BLM protein function, this suggests that disruption of this region of the protein is causative of disease. This variant has not been reported in the literature in individuals affected with BLM-related conditions.

Literature cited by the submitters: PubMed 27657136; PubMed 9388480; PubMed 10569803.

NC_000015.9:g.(?_91326042)_(91358509_?)del

Gene: BLM (BLM RecQ like helicase; plus strand). Cytogenetic location: 15q26.1.
Variant type: Deletion.
Identifiers: ClinVar variation 1345745 (VCV001345745.5).